The following is an entry in ClinVar:

ClinVar aggregate classification (germline): Benign/Likely benign. Review status: criteria provided, multiple submitters, no conflicts (2 of 4 stars). 6 submissions from 6 submitters: Benign (2); Likely benign (3). 1 of the submissions does not count toward it. Last evaluated 2026-08-01.

Conditions:
BRAT1-related disorder. Also called: BRAT1-related condition; BRAT1-related disorders.
Neonatal-onset encephalopathy with rigidity and seizures. Also called: Lethal neonatal spasticity-epileptic encephalopathy syndrome. Identifiers: Orphanet 435845, MedGen C3281029, MONDO:0013784, OMIM 614498.

Allele frequency attached by ClinVar (database versions not stated): ESP Exome Variant Server 0.00331; 1000 Genomes Project 0.00359; 1000 Genomes Project 30x 0.00375; TOPMed 0.00376.
gnomAD v4.1: 994 of 1,593,212 alleles (0.062%); highest among the groups gnomAD compares: African/African-American, 1.2%; 6 homozygotes.

Submissions (6):

CeGaT Center for Human Genetics Tuebingen
Classification: Likely benign. Last evaluated: 2026-08-01. Review status: criteria provided, single submitter. Criteria: CeGaT Center For Human Genetics Tuebingen Variant Classification Criteria Version 2. Collection method: clinical testing. Allele origin: germline. Affected: yes. Observed: 1 variant allele.
Comment: BRAT1: BP4, BP7, BS1

Labcorp Genetics (formerly Invitae), Labcorp
Classification: Benign for Neonatal-onset encephalopathy with rigidity and seizures. Last evaluated: 2026-02-03. Review status: criteria provided, single submitter. Criteria: Invitae Variant Classification Sherloc (09022015). Collection method: clinical testing. Allele origin: germline.

Mayo Clinic Laboratories, Mayo Clinic
Classification: Benign. Last evaluated: 2025-10-06. Review status: criteria provided, single submitter. Criteria: ACMG Guidelines, 2015. Collection method: clinical testing. Allele origin: germline. Observed: 1 variant allele.
Comment: BA1, BP4, BP7

Blueprint Genetics
Classification: Likely benign. Last evaluated: 2024-11-26. Review status: criteria provided, single submitter. Criteria: ACMG Guidelines, 2015. Collection method: clinical testing. Allele origin: germline.

GeneDx
Classification: Likely benign. Last evaluated: 2020-09-09. Review status: criteria provided, single submitter. Criteria: GeneDx Variant Classification Process June 2021. Collection method: clinical testing. Allele origin: germline. Affected: yes.

PreventionGenetics, part of Exact Sciences
Classification: Benign for BRAT1-related condition. Last evaluated: 2019-08-12. Review status: no assertion criteria provided. Collection method: clinical testing. Allele origin: germline. Not counted in ClinVar's aggregate classification.
Comment: This variant is classified as benign based on ACMG/AMP sequence variant interpretation guidelines (Richards et al. 2015 PMID: 25741868, with internal and published modifications).

NM_152743.4(BRAT1):c.1305G>T (p.Thr435=)

Gene: BRAT1 (BRCA1 associated ATM activator 1; minus strand). Cytogenetic location: 7p22.3.
Variant type: single nucleotide variant.
Coding change: c.1305G>T on transcript NM_152743.4 (MANE Select); coding-DNA position 1305, G replaced by T.
Protein change: p.Thr435=; no amino-acid change (threonine 435 retained).
Molecular consequence: synonymous variant. On other transcripts: non-coding transcript variant (1).
Genome position (GRCh38, 1-based): chr7:2,541,314, C>A on the plus strand (G>T on the coding strand, the complement: BRAT1 is on the minus strand). VCF-style: chr7-2541314-C-A. GRCh37 (hg19) VCF-style: chr7-2580948-C-A.
Other names: p.Thr435=; c.1305G>T, p.Thr435= (NM_001350626.2); c.780G>T, p.Thr260= (NM_001350627.2).
Identifiers: ClinVar variation 472935 (VCV000472935.19), dbSNP rs145506790, ClinGen allele CA4127842.